The following is an entry in ClinVar:

ClinVar aggregate classification (germline): Uncertain significance (1 of 4 stars; one submission).

Allele frequency attached by ClinVar (database versions not stated): ExAC 0.00001.

Submission:

GeneDx
Classification: Uncertain significance. Last evaluated: 2022-03-12. Review status: criteria provided, single submitter. Criteria: GeneDx Variant Classification Process June 2021. Collection method: clinical testing. Allele origin: germline. Affected: yes.
Comment: Nonsense variant predicted to result in protein truncation or nonsense mediated decay in a gene for which loss-of-function is a known mechanism of disease; Has not been previously published as pathogenic or benign to our knowledge

NM_014865.4(NCAPD2):c.211C>T (p.Arg71Ter)

Gene: NCAPD2 (non-SMC condensin I complex subunit D2; plus strand). Cytogenetic location: 12p13.31.
Variant type: single nucleotide variant.
Coding change: c.211C>T on transcript NM_014865.4 (MANE Select); coding-DNA position 211, C replaced by T.
Protein change: p.Arg71Ter; replaces arginine 71 with a stop codon.
Molecular consequence: nonsense.
Genome position (GRCh38, 1-based): chr12:6,510,082, C>T. VCF-style: chr12-6510082-C-T. GRCh37 (hg19) VCF-style: chr12-6619248-C-T.
Other names: short protein forms R71*.
Identifiers: ClinVar variation 1706961 (VCV001706961.2), dbSNP rs766616615, ClinGen allele CA6407984.